The following is an entry in ClinVar:

ClinVar aggregate classification (germline): Uncertain significance (1 of 4 stars; one submission).

Allele frequency attached by ClinVar (database versions not stated): gnomAD exomes below 0.00001; gnomAD 0.00001; TOPMed 0.00001.
gnomAD v4.1: 6 of 1,607,358 alleles (0.00037%); highest among the groups gnomAD compares: African/African-American, 0.0053%; no homozygotes.

Submission:

Labcorp Genetics (formerly Invitae), Labcorp
Classification: Uncertain significance. Last evaluated: 2022-09-13. Review status: criteria provided, single submitter. Criteria: Invitae Variant Classification Sherloc (09022015). Collection method: clinical testing. Allele origin: germline.
Comment: In summary, the available evidence is currently insufficient to determine the role of this variant in disease. Therefore, it has been classified as a Variant of Uncertain Significance. Advanced modeling of protein sequence and biophysical properties (such as structural, functional, and spatial information, amino acid conservation, physicochemical variation, residue mobility, and thermodynamic stability) has been performed at Invitae for this missense variant, however the output from this modeling did not meet the statistical confidence thresholds required to predict the impact of this variant on GNAT2 protein function. ClinVar contains an entry for this variant (Variation ID: 1019487). This variant has not been reported in the literature in individuals affected with GNAT2-related conditions. This variant is present in population databases (no rsID available, gnomAD 0.01%). This sequence change replaces tyrosine, which is neutral and polar, with cysteine, which is neutral and slightly polar, at codon 296 of the GNAT2 protein (p.Tyr296Cys).

NM_001377295.2(GNAT2):c.887A>G (p.Tyr296Cys)

Gene: GNAT2 (G protein subunit alpha transducin 2; minus strand). Cytogenetic location: 1p13.3.
Variant type: single nucleotide variant.
Coding change: c.887A>G on transcript NM_001377295.2 (MANE Select); coding-DNA position 887, A replaced by G.
Protein change: p.Tyr296Cys; replaces tyrosine 296 with cysteine.
Molecular consequence: missense variant.
Genome position (GRCh38, 1-based): chr1:109,603,532, T>C on the plus strand (A>G on the coding strand, the complement: GNAT2 is on the minus strand). VCF-style: chr1-109603532-T-C. GRCh37 (hg19) VCF-style: chr1-110146154-T-C.
Other names: c.887A>G, p.Tyr296Cys (NM_001379232.1, NM_005272.5); short protein forms Y296C.
Identifiers: ClinVar variation 1019487 (VCV001019487.3), dbSNP rs1025845483, ClinGen allele CA28675279.